The following is an entry in ClinVar:

ClinVar aggregate classification (germline): Uncertain significance. Review status: criteria provided, multiple submitters, no conflicts (2 of 4 stars). 2 submissions from 2 submitters: Uncertain significance (2). Last evaluated 2026-06-18.

Conditions:
Multiple endocrine neoplasia, type 1 (MEN1). Also called: MEA I; MEN I; WERMER SYNDROME; Endocrine adenomatosis multiple; MEN 1. Identifiers: Orphanet 652, MedGen C0025267, MeSH D018761, MONDO:0007540, OMIM 131100.
Hereditary cancer-predisposing syndrome. Also called: Hereditary Cancer Syndrome; Hereditary neoplastic syndrome; Neoplastic Syndromes, Hereditary; Tumor predisposition. Identifiers: Orphanet 140162, MedGen C0027672, MeSH D009386, MONDO:0015356.

Submissions (2):

Ambry Genetics
Classification: Uncertain significance for Hereditary cancer-predisposing syndrome. Last evaluated: 2026-06-18. Review status: criteria provided, single submitter. Criteria: Ambry Variant Classification Scheme 2023. Collection method: clinical testing. Allele origin: germline.
Comment: The p.L103Q variant (also known as c.308T>A), located in coding exon 1 of the MEN1 gene, results from a T to A substitution at nucleotide position 308. The leucine at codon 103 is replaced by glutamine, an amino acid with dissimilar properties. This amino acid position is conserved. In addition, this alteration is predicted to be deleterious by in silico analysis. Based on the available evidence, the clinical significance of this variant remains unclear.

Labcorp Genetics (formerly Invitae), Labcorp
Classification: Uncertain significance for Multiple endocrine neoplasia, type 1. Last evaluated: 2023-10-14. Review status: criteria provided, single submitter. Criteria: Invitae Variant Classification Sherloc (09022015). Collection method: clinical testing. Allele origin: germline.
Comment: This sequence change replaces leucine, which is neutral and non-polar, with glutamine, which is neutral and polar, at codon 103 of the MEN1 protein (p.Leu103Gln). This variant is not present in population databases (gnomAD no frequency). This variant has not been reported in the literature in individuals affected with MEN1-related conditions. Advanced modeling of protein sequence and biophysical properties (such as structural, functional, and spatial information, amino acid conservation, physicochemical variation, residue mobility, and thermodynamic stability) performed at Invitae indicates that this missense variant is expected to disrupt MEN1 protein function. In summary, the available evidence is currently insufficient to determine the role of this variant in disease. Therefore, it has been classified as a Variant of Uncertain Significance.

NM_001370259.2(MEN1):c.308T>A (p.Leu103Gln)

Gene: MEN1 (menin 1; minus strand). Cytogenetic location: 11q13.1.
Variant type: single nucleotide variant.
Coding change: c.308T>A on transcript NM_001370259.2 (MANE Select); coding-DNA position 308, T replaced by A.
Protein change: p.Leu103Gln; replaces leucine 103 with glutamine.
Molecular consequence: missense variant. On other transcripts: non-coding transcript variant (4).
Genome position (GRCh38, 1-based): chr11:64,809,802, A>T on the plus strand (T>A on the coding strand, the complement: MEN1 is on the minus strand). VCF-style: chr11-64809802-A-T. GRCh37 (hg19) VCF-style: chr11-64577274-A-T.
Other names: c.308T>A, p.Leu103Gln (NM_000244.4, NM_001370251.2, NM_001370260.2 and 20 more transcripts); short protein forms L103Q.
Identifiers: ClinVar variation 2768273 (VCV002768273.4), dbSNP rs2136184835, ClinGen allele CA381187436.
Genomic context (GRCh38, chr11:64,809,802, plus strand): 5'-TCGGAGACCTTCTTCACCAGCTCACGGCTGGAGACACCCCCTTCTCGAGGATAGAGGGAC[A>T]GGTCGACGGCGCCTCGGATCTGGGCGGTGAAGCGGGCATAGAGGGCGGCGATGATAGACA-3'
Protein context (NP_001357188.2, residues 93-113): FTAQIRGAVD[Leu103Gln]SLYPREGGVS